The following is an entry in ClinVar:

ClinVar aggregate classification (germline): Uncertain significance. Review status: criteria provided, multiple submitters, no conflicts (2 of 4 stars). 2 submissions from 2 submitters: Uncertain significance (2). Last evaluated 2022-12-27.

Conditions:
Gastrointestinal stromal tumor. Also called: Gastrointestinal stromal tumor, somatic; Gastrointestinal stroma tumor. Identifiers: Orphanet 44890, MedGen C0238198, MeSH D046152, MONDO:0011719, OMIM 606764, HP:0100723.
Pheochromocytoma/paraganglioma syndrome 3. Also called: SDHC-Related Hereditary Paraganglioma-Pheochromocytoma Syndrome (Paragangliomas 3); SDHC-Related Hereditary Paraganglioma-Pheochromocytoma Syndrome; Paragangliomas 3; GLOMUS TUMORS, FAMILIAL, 3. Identifiers: Orphanet 29072, MedGen C1854336, MONDO:0011544, OMIM 605373.
Hereditary cancer-predisposing syndrome. Also called: Neoplastic Syndromes, Hereditary; Hereditary Cancer Syndrome; Hereditary neoplastic syndrome; Tumor predisposition. Identifiers: Orphanet 140162, MedGen C0027672, MeSH D009386, MONDO:0015356.

Allele frequency attached by ClinVar (database versions not stated): gnomAD exomes below 0.00001.
gnomAD v4.1: 1 of 1,613,038 alleles (0.000062%); highest among the groups gnomAD compares: East Asian, 0.0022%; no homozygotes.

Submissions (2):

Labcorp Genetics (formerly Invitae), Labcorp
Classification: Uncertain significance for Pheochromocytoma/paraganglioma syndrome 3; Gastrointestinal stromal tumor. Last evaluated: 2022-12-27. Review status: criteria provided, single submitter. Criteria: Invitae Variant Classification Sherloc (09022015). Collection method: clinical testing. Allele origin: germline.
Comment: In summary, the available evidence is currently insufficient to determine the role of this variant in disease. Therefore, it has been classified as a Variant of Uncertain Significance. Advanced modeling of protein sequence and biophysical properties (such as structural, functional, and spatial information, amino acid conservation, physicochemical variation, residue mobility, and thermodynamic stability) performed at Invitae indicates that this missense variant is expected to disrupt SDHC protein function. ClinVar contains an entry for this variant (Variation ID: 823362). This variant has not been reported in the literature in individuals affected with SDHC-related conditions. This variant is not present in population databases (gnomAD no frequency). This sequence change replaces threonine, which is neutral and polar, with asparagine, which is neutral and polar, at codon 32 of the SDHC protein (p.Thr32Asn).

Ambry Genetics
Classification: Uncertain significance for Hereditary cancer-predisposing syndrome. Last evaluated: 2019-10-11. Review status: criteria provided, single submitter. Criteria: Ambry Variant Classification Scheme 2023. Collection method: clinical testing. Allele origin: germline.
Comment: The p.T32N variant (also known as c.95C>A), located in coding exon 3 of the SDHC gene, results from a C to A substitution at nucleotide position 95. The threonine at codon 32 is replaced by asparagine, an amino acid with similar properties. This amino acid position is highly conserved in available vertebrate species. In addition, the in silico prediction for this alteration is inconclusive. Since supporting evidence is limited at this time, the clinical significance of this alteration remains unclear.

NM_003001.5(SDHC):c.95C>A (p.Thr32Asn)

Gene: SDHC (succinate dehydrogenase complex subunit C; plus strand). Cytogenetic location: 1q23.3.
Variant type: single nucleotide variant.
Coding change: c.95C>A on transcript NM_003001.5 (MANE Select); coding-DNA position 95, C replaced by A.
Protein change: p.Thr32Asn; replaces threonine 32 with asparagine.
Molecular consequence: missense variant. On other transcripts: 5 prime UTR variant (2), non-coding transcript variant (1), intron variant (4).
Genome position (GRCh38, 1-based): chr1:161,328,413, C>A. VCF-style: chr1-161328413-C-A. GRCh37 (hg19) VCF-style: chr1-161298203-C-A.
Other names: c.95C>A, p.Thr32Asn (NM_001035511.3, NM_001407115.1); c.38C>A, p.Thr13Asn (NM_001407116.1, NM_001407117.1, NM_001407121.1); c.-17C>A (NM_001407119.1, NM_001407120.1); c.77+4743C>A (NM_001035512.3, NM_001278172.3, NM_001407118.1); c.21-12181C>A (NM_001035513.3); short protein forms T32N, T13N.
Identifiers: ClinVar variation 823362 (VCV000823362.13), dbSNP rs1571851464, ClinGen allele CA343360901.
Genomic context (GRCh38, chr1:161,328,413, plus strand): 5'-AGTTTACTTTTAGTTATTTTCAAACGGTCTGGTTTTATTTTAGTGCTGTTCCTTTGGGAA[C>A]CACGGCCAAAGAAGAGATGGAGCGGTTCTGGAATAAGAATATAGGTTCAAACCGTCCTCT-3'
Protein context (NP_002992.1, residues 22-42): LCIRNAVPLG[Thr32Asn]TAKEEMERFW